The following is an entry in ClinVar:

ClinVar aggregate classification (germline): Pathogenic/Likely pathogenic. Review status: criteria provided, multiple submitters, no conflicts (2 of 4 stars). 6 submissions from 6 submitters: Pathogenic (3); Likely pathogenic (1). 2 of the submissions do not count toward it. Last evaluated 2026-01-09.

Conditions:
THRA-related disorder. Also called: THRA-related condition.
Inborn genetic diseases. Identifiers: MedGen C0950123, MeSH D030342.
Congenital nongoitrous hypothyroidism 6. Also called: Congenital nongoitrous hypothryoidism 6. Identifiers: Orphanet 97927, MedGen C3280817, MONDO:0013757, OMIM 614450.

Submissions (6):

Ambry Genetics
Classification: Pathogenic for Inborn genetic diseases. Last evaluated: 2026-01-09. Review status: criteria provided, single submitter. Criteria: Ambry Variant Classification Scheme 2023. Collection method: clinical testing. Allele origin: germline.
Comment: The c.1207G>A (p.E403K) alteration is located in exon 9 (coding exon 8) of the THRA gene. This alteration results from a G to A substitution at nucleotide position 1207, causing the glutamic acid (E) at amino acid position 403 to be replaced by a lysine (K). This variant was not reported in population-based cohorts in the Genome Aggregation Database (gnomAD). This variant was reported in individual(s) with features consistent with THRA-related congenital nongoitrous hypothyroidism; in at least one individual, it was determined to be de novo (Tylki-Szymaska, 2015; Tang, 2016; external communication). This amino acid position is highly conserved in available vertebrate species. This alteration is predicted to be deleterious by in silico analysis. Based on the available evidence, this alteration is classified as pathogenic.

Victorian Clinical Genetics Services, Murdoch Childrens Research Institute
Classification: Pathogenic for Congenital nongoitrous hypothyroidism 6. Last evaluated: 2025-08-06. Review status: criteria provided, single submitter. Criteria: ACMG Guidelines, 2015. Collection method: clinical testing. Allele origin: germline. Affected: yes.
Comment: This variant is classified as Pathogenic. Evidence in support of pathogenic classification: Variant is absent from gnomAD (v2, v3 and v4); This variant has strong previous evidence of pathogenicity in unrelated individuals. It has been reported in at least three affected individuals (PMIDs: 26812777, 32349464, 33509032) and classified as pathogenic in ClinVar; Missense variant predicted to be damaging by in silico tool(s) or highly conserved with a major amino acid change; Additional information: Variant is predicted to result in a missense amino acid change from glutamic acid to lysine; This variant is heterozygous; This gene is associated with autosomal dominant disease; No comparable missense variants have previous evidence for pathogenicity; Variant is located in the annotated coactivator recognition site within the ligand binding domain of thyroid hormone receptor (NCBI); Dominant negative is a known mechanism of disease in this gene and is associated with congenital nongoitrous hypothyroidism 6 (MIM#614450) (PMID: 28932413); Variants in this gene are known to have variable expressivity. There can be large variation in the severity of the phenotypes in RTHa as some patients can have mild phenotypes with minimal symptoms (PMID: 28932413).

GeneDx
Classification: Pathogenic. Last evaluated: 2025-05-29. Review status: criteria provided, single submitter. Criteria: GeneDx Variant Classification Process June 2021. Collection method: clinical testing. Allele origin: germline. Affected: yes.
Comment: Identified in individuals with features consistent with THRA-related hypothyroidism in published literature (PMID: 25670821, 33509032); Previously reported as a de novo variant in a proband from a large autism cohort; additional clinical details were not provided, and other de novo variants may have also been present (PMID: 33057194, 35982159); In silico analysis suggests that this missense variant does not alter protein structure/function; Not observed at significant frequency in large population cohorts (gnomAD); This variant is associated with the following publications: (PMID: 33509032, 26812777, 34871063, Marelli2023[Abstract], 33057194, 35982159, 25670821)

Blueprint Genetics
Classification: Likely pathogenic for THRA-related disorders. Last evaluated: 2020-12-01. Review status: criteria provided, single submitter. Criteria: ACMG Guidelines, 2015. Collection method: clinical testing. Allele origin: de novo. Affected: yes. Observed: 1 variant allele.

Molecular Genetics laboratory, Necker Hospital
Classification: Pathogenic. Last evaluated: 2023-01-20. Review status: no assertion criteria provided. Collection method: clinical testing. Allele origin: de novo. Affected: yes. Not counted in ClinVar's aggregate classification.

OMIM
Classification: Pathogenic for HYPOTHYROIDISM, CONGENITAL, NONGOITROUS, 6. Last evaluated: 2015-05-01. Review status: no assertion criteria provided. Collection method: literature only. Allele origin: germline. Not counted in ClinVar's aggregate classification.

Literature cited by the submitters: PubMed 25670821 (cited by Ambry Genetics and OMIM); PubMed 26812777 (cited by Ambry Genetics and Victorian Clinical Genetics Services, Murdoch Childrens Research Institute); PubMed 28932413 (cited by Victorian Clinical Genetics Services, Murdoch Childrens Research Institute); PubMed 32349464 (cited by Victorian Clinical Genetics Services, Murdoch Childrens Research Institute); PubMed 33509032 (cited by Victorian Clinical Genetics Services, Murdoch Childrens Research Institute).

NM_199334.5(THRA):c.1207G>A (p.Glu403Lys)

Gene: THRA (thyroid hormone receptor alpha; plus strand). Cytogenetic location: 17q21.1.
Variant type: single nucleotide variant.
Coding change: c.1207G>A on transcript NM_199334.5 (MANE Select); coding-DNA position 1207, G replaced by A.
Protein change: p.Glu403Lys; replaces glutamic acid 403 with lysine.
Molecular consequence: missense variant. On other transcripts: intron variant (3).
Genome position (GRCh38, 1-based): chr17:40,089,430, G>A. VCF-style: chr17-40089430-G-A. GRCh37 (hg19) VCF-style: chr17-38245683-G-A.
Other names: c.1110+97G>A (NM_001190919.2, NM_003250.6, NM_001190918.2); short protein forms E403K.
Identifiers: ClinVar variation 192272 (VCV000192272.13), dbSNP rs876657395, ClinGen allele CA10575715.